The following is an entry in ClinVar:

ClinVar aggregate classification (germline): Uncertain significance (1 of 4 stars; one submission).

Conditions:
Cardiomyopathy (CMYO). Also called: Cardiomyopathies. Identifiers: Orphanet 167848, MedGen C0878544, MONDO:0004994, HP:0001638. Inheritance: Various modes of inheritance.

gnomAD v4.1: 2 of 1,611,274 alleles (0.00012%); highest among the groups gnomAD compares: Non-Finnish European, 0.00017%; no homozygotes.

Submission:

Color Diagnostics, LLC DBA Color Health
Classification: Uncertain significance for Cardiomyopathy. Last evaluated: 2025-11-17. Review status: criteria provided, single submitter. Criteria: ACMG Guidelines, 2015. Collection method: clinical testing. Allele origin: germline.
Comment: This missense variant replaces serine with phenylalanine at codon 2814 of the RYR2 protein. Computational prediction is inconclusive regarding the impact of this variant on protein structure and function. To our knowledge, functional studies have not been reported for this variant. This variant has not been reported in individuals affected with RYR2-related disorders in the literature. This variant has been identified in 2/1611274 chromosomes in the general population by the Genome Aggregation Database (gnomAD). The available evidence is insufficient to determine the role of this variant in disease conclusively. Therefore, this variant is classified as a Variant of Uncertain Significance.

NM_001035.3(RYR2):c.8441C>T (p.Ser2814Phe)

Gene: RYR2 (ryanodine receptor 2; plus strand). Cytogenetic location: 1q43.
Variant type: single nucleotide variant.
Coding change: c.8441C>T on transcript NM_001035.3 (MANE Select); coding-DNA position 8441, C replaced by T.
Protein change: p.Ser2814Phe; replaces serine 2814 with phenylalanine.
Molecular consequence: missense variant.
Genome position (GRCh38, 1-based): chr1:237,666,516, C>T. VCF-style: chr1-237666516-C-T. GRCh37 (hg19) VCF-style: chr1-237829816-C-T.
Other names: short protein forms S2814F.
Identifiers: ClinVar variation 4759156 (VCV004759156.1).